The following is an entry in ClinVar:

ClinVar aggregate classification (germline): Uncertain significance. Review status: criteria provided, multiple submitters, no conflicts (2 of 4 stars). 4 submissions from 4 submitters: Uncertain significance (4). Last evaluated 2026-01-21.

Conditions:
Hereditary spastic paraplegia 8 (SPG8). Also called: SPASTIC PARAPLEGIA 8, AUTOSOMAL DOMINANT. Identifiers: Orphanet 100989, MedGen C1863704, MONDO:0011339, OMIM 603563.
Ritscher-Schinzel syndrome. Also called: CRANIOCEREBELLOCARDIAC DYSPLASIA. Identifiers: Orphanet 7, MedGen C0796137, MONDO:0019078.

Allele frequency attached by ClinVar (database versions not stated): gnomAD 0.00003; gnomAD exomes 0.00005; TOPMed 0.00005.
gnomAD v4.1: 76 of 1,592,714 alleles (0.0048%); highest among the groups gnomAD compares: Non-Finnish European, 0.0065%; no homozygotes.

Submissions (4):

Labcorp Genetics (formerly Invitae), Labcorp
Classification: Uncertain significance for Ritscher-Schinzel syndrome; Hereditary spastic paraplegia 8. Last evaluated: 2026-01-21. Review status: criteria provided, single submitter. Criteria: Invitae Variant Classification Sherloc (09022015). Collection method: clinical testing. Allele origin: germline.
Comment: This sequence change falls in intron 17 of the WASHC5 gene. It does not directly change the encoded amino acid sequence of the WASHC5 protein. It affects a nucleotide within the consensus splice site. This variant is present in population databases (no rsID available, gnomAD 0.005%). This variant has not been reported in the literature in individuals affected with WASHC5-related conditions. ClinVar contains an entry for this variant (Variation ID: 2020558). Variants that disrupt the consensus splice site are a relatively common cause of aberrant splicing (PMID: 17576681, 9536098). Algorithms developed to predict the effect of sequence changes on RNA splicing suggest that this variant may disrupt the consensus splice site. In summary, the available evidence is currently insufficient to determine the role of this variant in disease. Therefore, it has been classified as a Variant of Uncertain Significance.

Women's Health and Genetics/Laboratory Corporation of America, LabCorp
Classification: Uncertain significance. Last evaluated: 2025-11-06. Review status: criteria provided, single submitter. Criteria: LabCorp Variant Classification Summary - May 2015. Collection method: clinical testing. Allele origin: germline.
Comment: Variant summary: WASHC5 c.2097+3A>G alters a conserved nucleotide located close to a canonical splice site and therefore could affect mRNA splicing, leading to a significantly altered protein sequence. Several computational tools predict a significant impact on normal splicing: Three predict the variant weakens the canonical 5' donor site. One predict the variant no significant impact on splicing. However, these predictions have yet to be confirmed by functional studies. The variant allele was found at a frequency of 2e-05 in 251338 control chromosomes, predominantly at a frequency of 4.4e-05 within the Non-Finnish European subpopulation in the gnomAD database. The available data on variant occurrences in the general population are insufficient to allow any conclusion about variant significance. To our knowledge, no occurrence of c.2097+3A>G in individuals affected with WASHC5-related conditions and no experimental evidence demonstrating its impact on protein function have been reported. ClinVar contains an entry for this variant (Variation ID: 2020558). Based on the evidence outlined above, the variant was classified as uncertain significance.

CeGaT Center for Human Genetics Tuebingen
Classification: Uncertain significance. Last evaluated: 2024-07-01. Review status: criteria provided, single submitter. Criteria: CeGaT Center For Human Genetics Tuebingen Variant Classification Criteria Version 2. Collection method: clinical testing. Allele origin: germline. Affected: yes. Observed: 1 variant allele.
Comment: WASHC5: PM2, PP3

Human Genetics Bochum, Ruhr University Bochum
Classification: Uncertain significance for Hereditary spastic paraplegia 8. Last evaluated: 2023-05-03. Review status: criteria provided, single submitter. Criteria: ACMG Guidelines, 2015. Collection method: clinical testing. Allele origin: germline. Affected: yes.
Comment: ACMG criteria used to clasify this variant: PP3

Literature cited by the submitters: PubMed 17576681 (cited by Labcorp Genetics (formerly Invitae), Labcorp); PubMed 9536098 (cited by Labcorp Genetics (formerly Invitae), Labcorp).

NM_014846.4(WASHC5):c.2097+3A>G

Gene: WASHC5 (WASH complex subunit 5; minus strand). Cytogenetic location: 8q24.13.
Variant type: single nucleotide variant.
Coding change: c.2097+3A>G on transcript NM_014846.4 (MANE Select); 3 bases into the intron after coding-DNA position 2097, A replaced by G.
Molecular consequence: intron variant.
Genome position (GRCh38, 1-based): chr8:125,055,588, T>C on the plus strand (A>G on the coding strand, the complement: WASHC5 is on the minus strand). VCF-style: chr8-125055588-T-C. GRCh37 (hg19) VCF-style: chr8-126067830-T-C.
Other names: c.1653+3A>G (NM_001330609.2).
Identifiers: ClinVar variation 2020558 (VCV002020558.22), dbSNP rs1170652470, ClinGen allele CA584876762.
Genomic context (GRCh38, chr8:125,055,588, plus strand): 5'-CCACAAAAACCCAAACAGCTAAGAGTCATGGTGCGAGGCCACGCAGACTAACAAAACTGT[T>C]ACCTTGATGATGCCAACCAAAGTCGTTTTCATCATTAAGATGCCTTCAGTAAAAATGGAA-3'